The following is an entry in ClinVar:

ClinVar aggregate classification (germline): Uncertain significance (1 of 4 stars; one submission).

Conditions:
Alstrom syndrome (ALMS). Identifiers: Orphanet 64, MedGen C0268425, MONDO:0008763, OMIM 203800.

gnomAD v4.1: 1 of 1,614,044 alleles (0.000062%); highest among the groups gnomAD compares: Non-Finnish European, 0.000085%; no homozygotes.

Submission:

Labcorp Genetics (formerly Invitae), Labcorp
Classification: Uncertain significance for Alstrom syndrome. Last evaluated: 2025-12-24. Review status: criteria provided, single submitter. Criteria: Invitae Variant Classification Sherloc (09022015). Collection method: clinical testing. Allele origin: germline.
Comment: This sequence change replaces threonine, which is neutral and polar, with isoleucine, which is neutral and non-polar, at codon 1090 of the ALMS1 protein (p.Thr1090Ile). This variant is present in population databases (no rsID available, gnomAD 0.0009%). This variant has not been reported in the literature in individuals affected with ALMS1-related conditions. ClinVar contains an entry for this variant (Variation ID: 1442089). Experimental studies and prediction algorithms are not available or were not evaluated, and the functional significance of this variant is currently unknown. In summary, the available evidence is currently insufficient to determine the role of this variant in disease. Therefore, it has been classified as a Variant of Uncertain Significance.

NM_001378454.1(ALMS1):c.3266C>T (p.Thr1089Ile)

Gene: ALMS1 (ALMS1 centrosome and basal body associated protein; plus strand). Cytogenetic location: 2p13.1.
Variant type: single nucleotide variant.
Coding change: c.3266C>T on transcript NM_001378454.1 (MANE Select); coding-DNA position 3266, C replaced by T.
Protein change: p.Thr1089Ile; replaces threonine 1089 with isoleucine.
Molecular consequence: missense variant.
Genome position (GRCh38, 1-based): chr2:73,449,793, C>T. VCF-style: chr2-73449793-C-T. GRCh37 (hg19) VCF-style: chr2-73676920-C-T.
Other names: c.3269C>T, p.Thr1090Ile (NM_015120.4); short protein forms T1089I, T1090I.
Identifiers: ClinVar variation 1442089 (VCV001442089.6), dbSNP rs556855697, ClinGen allele CA347274672.
Genomic context (GRCh38, chr2:73,449,793, plus strand): 5'-TACCTGAAGAGAGTCTGAAAGTTTCAGCCTTCCCTGGACCAGCTGACCAGATGACTGACA[C>T]ACCAGCAGTACCGTCTACTTTCTACTCACAAAGAGAGAAGCCTGGTATTTTCTACCAACA-3'
Protein context (NP_001365383.1, residues 1079-1099): FPGPADQMTD[Thr1089Ile]PAVPSTFYSQ